The following is an entry in ClinVar:

NM_058216.3(RAD51C):c.*1C>T

Gene: RAD51C (RAD51 paralog C; plus strand). Cytogenetic location: 17q22.
Variant type: single nucleotide variant.
Coding change: c.*1C>T on transcript NM_058216.3 (MANE Select); 1 bases downstream of the stop codon, C replaced by T.
Molecular consequence: 3 prime UTR variant. On other transcripts: non-coding transcript variant (1).
Genome position (GRCh38, 1-based): chr17:58,734,223, C>T. VCF-style: chr17-58734223-C-T. GRCh37 (hg19) VCF-style: chr17-56811584-C-T.
Identifiers: ClinVar variation 3903596 (VCV003903596.1).
Genomic context (GRCh38, chr17:58,734,223, plus strand): 5'-CAAACAGAAGGTTCCTTGAGCACCCGGAAACGGTCACGAGACCCAGAGGAAGAATTATAA[C>T]CCAGAAACAAATCTCAAAGTGTACAAATTTATTGATGTTGTGAAATCAATGTGTACAAGT-3'

ClinVar aggregate classification (germline): Benign (1 of 4 stars; one submission).

Conditions:
Breast-ovarian cancer, familial, susceptibility to, 3. Also called: RAD51C-Related Breast/Ovarian Cancer. Identifiers: Orphanet 145, MedGen C3150659, MONDO:0013253, OMIM 613399.

gnomAD v4.1: 1 of 1,609,864 alleles (0.000062%); no homozygotes.

Submission:

Myriad Genetics, Inc.
Classification: Benign for Breast-ovarian cancer, familial, susceptibility to, 3. Last evaluated: 2025-02-19. Review status: criteria provided, single submitter. Criteria: Myriad Autosomal Dominant, Autosomal Recessive and X-Linked Classification Criteria (2023). Collection method: clinical testing. Allele origin: unknown.
Comment: This variant is considered benign. This variant occurs in the non-coding 3' untranslated region of the gene, and is not expected to impact protein function.